The following is an entry in ClinVar:

ClinVar aggregate classification (germline): Conflicting classifications of pathogenicity. Review status: criteria provided, conflicting classifications (1 of 4 stars). 4 submissions from 4 submitters: Uncertain significance (3); Likely benign (1). Last evaluated 2025-03-05.

Conditions:
TTN-related disorder. Also called: TTN-related condition; TTN-related disease; TTN-related disorders.
Cardiovascular phenotype. Identifiers: MedGen CN230736.

Allele frequency attached by ClinVar (database versions not stated): TOPMed below 0.00001; gnomAD exomes 0.00001.
gnomAD v4.1: 19 of 1,613,288 alleles (0.0012%); highest among the groups gnomAD compares: Non-Finnish European, 0.0015%; no homozygotes.

Submissions (4):

PreventionGenetics, part of Exact Sciences
Classification: Uncertain significance for TTN-related condition. Last evaluated: 2025-03-05. Review status: criteria provided, single submitter. Criteria: ACMG Guidelines, 2015. Collection method: clinical testing. Allele origin: germline.
Comment: The TTN c.43987A>C variant is predicted to result in the amino acid substitution p.Lys14663Gln. To our knowledge, this variant has not been reported in the literature or in a large population database (gnomAD), indicating this variant is rare. At this time, the clinical significance of this variant is uncertain due to the absence of conclusive functional and genetic evidence.

Ambry Genetics
Classification: Likely benign for Cardiovascular phenotype. Last evaluated: 2019-11-01. Review status: criteria provided, single submitter. Criteria: Ambry Variant Classification Scheme 2023. Collection method: clinical testing. Allele origin: germline.

GeneDx
Classification: Uncertain significance. Last evaluated: 2019-04-29. Review status: criteria provided, single submitter. Criteria: GeneDx Variant Classification Process June 2021. Collection method: clinical testing. Allele origin: germline. Affected: yes.
Comment: Not observed in large population cohorts (Lek et al., 2016); Missense variant in a gene in which most reported pathogenic variants are truncating/loss-of-function; Has not been previously published as pathogenic or benign to our knowledge

Eurofins Ntd Llc (ga)
Classification: Uncertain significance. Last evaluated: 2016-12-27. Review status: criteria provided, single submitter. Criteria: EGL Classification Definitions 2015. Collection method: clinical testing. Allele origin: germline. Observed: 1 variant allele, 1 heterozygote.

NM_001267550.2(TTN):c.43987A>C (p.Lys14663Gln)

Gene: TTN (titin; minus strand). Cytogenetic location: 2q31.2.
Variant type: single nucleotide variant.
Coding change: c.43987A>C on transcript NM_001267550.2 (MANE Select); coding-DNA position 43987, A replaced by C.
Protein change: p.Lys14663Gln; replaces lysine 14663 with glutamine.
Molecular consequence: missense variant.
Genome position (GRCh38, 1-based): chr2:178,631,061, T>G on the plus strand (A>C on the coding strand, the complement: TTN is on the minus strand). VCF-style: chr2-178631061-T-G. GRCh37 (hg19) VCF-style: chr2-179495788-T-G.
Other names: c.39064A>C, p.Lys13022Gln (NM_001256850.1); c.16792A>C, p.Lys5598Gln (NM_003319.4); c.36283A>C, p.Lys12095Gln (NM_133378.4); c.17167A>C, p.Lys5723Gln (NM_133432.3); c.17368A>C, p.Lys5790Gln (NM_133437.4); short protein forms K12095Q, K14663Q, K5790Q, K13022Q, K5723Q, K5598Q.
Identifiers: ClinVar variation 499204 (VCV000499204.10), dbSNP rs1271800091, ClinGen allele CA349646549.